The following is an entry in ClinVar:

ClinVar aggregate classification (germline): Benign/Likely benign. Review status: criteria provided, multiple submitters, no conflicts (2 of 4 stars). 5 submissions from 5 submitters: Benign (2); Likely benign (3). Last evaluated 2026-01-08.

Conditions:
HMCN1-related disorder. Also called: HMCN1-related condition.
Age related macular degeneration 1 (ARMD1). Also called: MACULOPATHY, AGE-RELATED, 1. Identifiers: MedGen C1864205, MONDO:0011285, OMIM 603075.

Allele frequency attached by ClinVar (database versions not stated): ESP Exome Variant Server 0.00015; gnomAD 0.00054 and 0.00095; ExAC 0.00059; gnomAD exomes 0.00071; 1000 Genomes Project 0.00120; TOPMed 0.00145; 1000 Genomes Project 30x 0.00172.
gnomAD v4.1: 850 of 1,380,122 alleles (0.062%); highest among the groups gnomAD compares: Admixed American, 0.34%; 4 homozygotes.

Submissions (5):

Labcorp Genetics (formerly Invitae), Labcorp
Classification: Benign. Last evaluated: 2026-01-08. Review status: criteria provided, single submitter. Criteria: Invitae Variant Classification Sherloc (09022015). Collection method: clinical testing. Allele origin: germline.

PreventionGenetics, part of Exact Sciences
Classification: Likely benign for HMCN1-related condition. Last evaluated: 2024-12-18. Review status: criteria provided, single submitter. Criteria: ACMG Guidelines, 2015. Collection method: clinical testing. Allele origin: germline.
Comment: This variant is classified as likely benign based on ACMG/AMP sequence variant interpretation guidelines (Richards et al. 2015 PMID: 25741868, with internal and published modifications).

Blueprint Genetics
Classification: Likely benign. Last evaluated: 2024-10-21. Review status: criteria provided, single submitter. Criteria: ACMG Guidelines, 2015. Collection method: clinical testing. Allele origin: germline.

Genome-Nilou Lab
Classification: Benign for Age related macular degeneration 1. Last evaluated: 2023-04-11. Review status: criteria provided, single submitter. Criteria: ACMG Guidelines, 2015. Collection method: clinical testing. Allele origin: germline. Affected: no.

Illumina Laboratory Services, Illumina
Classification: Likely benign for Age related macular degeneration 1. Last evaluated: 2018-01-12. Review status: criteria provided, single submitter. Criteria: ICSL Variant Classification Criteria 13 December 2019. Collection method: clinical testing. Allele origin: germline.
Comment: This variant was observed in the ICSL laboratory as part of a predisposition screen in an ostensibly healthy population. It had not been previously curated by ICSL or reported in the Human Gene Mutation Database (HGMD: prior to June 1st, 2018), and was therefore a candidate for classification through an automated scoring system. Utilizing variant allele frequency, disease prevalence and penetrance estimates, and inheritance mode, an automated score was calculated to assess if this variant is too frequent to cause the disease. Based on the score and internal cut-off values, a variant classified as likely benign is not then subjected to further curation. The score for this variant resulted in a classification of likely benign for this disease.

NM_031935.3(HMCN1):c.2212+8T>G

Gene: HMCN1 (hemicentin 1; plus strand). Cytogenetic location: 1q31.1.
Variant type: single nucleotide variant.
Coding change: c.2212+8T>G on transcript NM_031935.3 (MANE Select); 8 bases into the intron after coding-DNA position 2212, T replaced by G.
Molecular consequence: intron variant.
Genome position (GRCh38, 1-based): chr1:185,965,923, T>G. VCF-style: chr1-185965923-T-G. GRCh37 (hg19) VCF-style: chr1-185935055-T-G.
Identifiers: ClinVar variation 294119 (VCV000294119.16), dbSNP rs183165464, ClinGen allele CA1291320.
Genomic context (GRCh38, chr1:185,965,923, plus strand): 5'-TATGGAATGCAAAACCTCTGGTATTCCTCCACCTCAAGTTAAATGGTTCAAAGGTACATT[T>G]CTTCAATATGTTTGTGTCTGGTTCACTTAGTTTTGTTTTCTTTTTAAAAAAAATGATTTG-3'